The following is an entry in ClinVar:

NM_004961.4(GABRE):c.196G>A (p.Gly66Ser)

Gene: GABRE (gamma-aminobutyric acid type A receptor subunit epsilon; minus strand). Cytogenetic location: Xq28.
Variant type: single nucleotide variant.
Coding change: c.196G>A on transcript NM_004961.4 (MANE Select); coding-DNA position 196, G replaced by A.
Protein change: p.Gly66Ser; replaces glycine 66 with serine.
Molecular consequence: missense variant.
Genome position (GRCh38, 1-based): chrX:151,970,263, C>T on the plus strand (G>A on the coding strand, the complement: GABRE is on the minus strand). VCF-style: chrX-151970263-C-T. GRCh37 (hg19) VCF-style: chrX-151138735-C-T.
Other names: short protein forms G66S.
Identifiers: ClinVar variation 2661663 (VCV002661663.24), dbSNP rs147310301, ClinGen allele CA10542685.

ClinVar aggregate classification (germline): Likely benign (1 of 4 stars; one submission).

Allele frequency attached by ClinVar (database versions not stated): ExAC 0.00026; gnomAD 0.00032; TOPMed 0.00056; ESP Exome Variant Server 0.00057; gnomAD exomes 0.00077.
gnomAD v4.1: 873 of 1,210,554 alleles (0.072%); highest among the groups gnomAD compares: Non-Finnish European, 0.093%; no homozygotes.

Submission:

CeGaT Center for Human Genetics Tuebingen
Classification: Likely benign. Last evaluated: 2023-04-01. Review status: criteria provided, single submitter. Criteria: CeGaT Center For Human Genetics Tuebingen Variant Classification Criteria Version 2. Collection method: clinical testing. Allele origin: germline. Affected: yes. Observed: 2 variant alleles.
Comment: GABRE: BP4, BS2